The following is an entry in ClinVar:

ClinVar aggregate classification (germline): Conflicting classifications of pathogenicity. Review status: criteria provided, conflicting classifications (1 of 4 stars). 10 submissions from 10 submitters: Pathogenic (1); Likely pathogenic (1); Uncertain significance (5). 3 of the submissions do not count toward it. Last evaluated 2025-12-18.

Conditions:
Hypercholesterolemia, autosomal dominant, type B (FHCL2). Also called: Familial hypercholesterolemia 2; Familial Hypercholesterolemia Type B; HYPERCHOLESTEROLEMIA, FAMILIAL, DUE TO LIGAND-DEFECTIVE APOLIPOPROTEIN B; Hyperlipoproteinemia Type IIb; APOB-Related Familial Hypercholesterolemia, Autosomal Dominant; APOLIPOPROTEIN B-100, FAMILIAL DEFECTIVE. Identifiers: MedGen C1704417, MONDO:0007751, OMIM 144010.
APOB-related disorder. Also called: APOB-related condition; APOB-related disorders.
Cardiovascular phenotype. Identifiers: MedGen CN230736.
Familial hypobetalipoproteinemia 1. Also called: Hypobetalipoproteinemia, normotriglyceridemic; Acanthocytosis with hypobetalipoproteinemia; APOB-Related Familial Hypobetalipoproteinemia. Identifiers: MedGen C4551990, MONDO:0014252, OMIM 615558.

Allele frequency attached by ClinVar (database versions not stated): ExAC 0.00001; gnomAD exomes 0.00001; gnomAD 0.00002; TOPMed 0.00005.
gnomAD v4.1: 25 of 1,613,932 alleles (0.0015%); highest among the groups gnomAD compares: African/African-American, 0.0027%; no homozygotes.

Submissions (10):

Labcorp Genetics (formerly Invitae), Labcorp
Classification: Pathogenic for Familial hypobetalipoproteinemia 1; Hypercholesterolemia, autosomal dominant, type B. Last evaluated: 2025-12-18. Review status: criteria provided, single submitter. Criteria: Invitae Variant Classification Sherloc (09022015). Collection method: clinical testing. Allele origin: germline.
Comment: This sequence change replaces arginine, which is basic and polar, with histidine, which is basic and polar, at codon 3059 of the APOB protein (p.Arg3059His). This variant is present in population databases (rs781645624, gnomAD 0.006%). This missense change has been observed in individuals with clinical features of familial hypercholesterolemia (PMID: 34456049; internal data). ClinVar contains an entry for this variant (Variation ID: 490404). Invitae Evidence Modeling of protein sequence and biophysical properties (such as structural, functional, and spatial information, amino acid conservation, physicochemical variation, residue mobility, and thermodynamic stability) indicates that this missense variant is not expected to disrupt APOB protein function with a negative predictive value of 95%. This variant disrupts the p.Arg3059 amino acid residue in APOB. Other variant(s) that disrupt this residue have been determined to be pathogenic (PMID: 22408029). This suggests that this residue is clinically significant, and that variants that disrupt this residue are likely to be disease-causing. For these reasons, this variant has been classified as Pathogenic.

CeGaT Center for Human Genetics Tuebingen
Classification: Uncertain significance. Last evaluated: 2025-10-01. Review status: criteria provided, single submitter. Criteria: CeGaT Center For Human Genetics Tuebingen Variant Classification Criteria Version 2. Collection method: clinical testing. Allele origin: germline. Affected: yes. Observed: 1 variant allele.
Comment: APOB: PM5, PS4:Supporting, BP4

Molecular Diagnostic Laboratory for Inherited Cardiovascular Disease, Montreal Heart Institute
Classification: Uncertain significance for Cardiovascular phenotype. Last evaluated: 2025-07-24. Review status: criteria provided, single submitter. Criteria: ACMG Guidelines, 2015. Collection method: clinical testing. Allele origin: germline. Affected: yes.
Comment: PM2, PM5_supp, BP4

Dasa
Classification: Likely pathogenic for Hypercholesterolemia, autosomal dominant, type B. Last evaluated: 2025-07-22. Review status: criteria provided, single submitter. Criteria: DASA Assertion Criteria. Collection method: clinical testing. Allele origin: germline.
Comment: NM_000384.3(APOB):c.9176G>A (p.Arg3059His) is a missense variant that results in the substitution of arginine with histidine. The affected residue or protein region has prior evidence supporting clinical relevance. This variant has been recurrently observed in individuals with APOB-related disorders (PMID: 22408029; PMID: 34456049). Segregation data support an association with disease in the reported family/families (PMID: 34456049; PMID: 22408029). Functional evidence supports an impact on the gene or gene product (PMID: 22408029; PMID: 34456049). Also, this variant is rare in population databases. Based on the currently available evidence, this variant is classified as likely pathogenic.

Quest Diagnostics Nichols Institute San Juan Capistrano
Classification: Uncertain significance. Last evaluated: 2025-05-12. Review status: criteria provided, single submitter. Criteria: Quest Diagnostics criteria. Collection method: clinical testing. Allele origin: unknown.
Comment: The APOB c.9176G>A (p.Arg3059His) variant has been reported in the published literature in in individuals familial hypercholesterolemia (PMID: 33269076 (2021), 34456049 (2022)). The frequency of this variant in the general population (Genome Aggregation Database) is uninformative in the assessment of its pathogenicity. Analysis of this variant using bioinformatics tools for the prediction of the effect of amino acid changes on protein structure and function yielded predictions that this variant is benign. Based on the available information, we are unable to determine the clinical significance of this variant.

Ambry Genetics
Classification: Uncertain significance for Cardiovascular phenotype. Last evaluated: 2024-11-19. Review status: criteria provided, single submitter. Criteria: Ambry Variant Classification Scheme 2023. Collection method: clinical testing. Allele origin: germline.
Comment: The p.R3059H variant (also known as c.9176G>A), located in coding exon 26 of the APOB gene, results from a G to A substitution at nucleotide position 9176. The arginine at codon 3059 is replaced by histidine, an amino acid with highly similar properties. This variant has been detected in individuals with features consistent with hypercholesterolemia (Marco-Bened&iacute; V et al. Atherosclerosis. 2022 May;349:211-218; external communication). This amino acid position is poorly conserved in available vertebrate species. In addition, this alteration is predicted to be tolerated by in silico analysis. Based on the available evidence, the clinical significance of this variant remains unclear.

Blueprint Genetics
Classification: Uncertain significance. Last evaluated: 2024-09-02. Review status: criteria provided, single submitter. Criteria: ACMG Guidelines, 2015. Collection method: clinical testing. Allele origin: germline.

PreventionGenetics, part of Exact Sciences
Classification: Uncertain significance for APOB-related condition. Last evaluated: 2024-04-09. Review status: no assertion criteria provided. Collection method: clinical testing. Allele origin: germline. Not counted in ClinVar's aggregate classification.
Comment: The APOB c.9176G>A variant is predicted to result in the amino acid substitution p.Arg3059His. This variant has been reported in an individual with hypercholesterolemia (Supplementary Table 6, Marco-Benedí et al. 2022. PubMed ID: 34456049). A different substitution affecting the same amino acid (p.Arg3059Cys) has been reported in individuals with hypercholesterolemia (Supplementary Table 6, Marco-Benedí et al. 2022. PubMed ID: 34456049; Miroshnikova et al. 2021. PubMed ID: 33269076) suggesting that substitution of amino acid residue p.Arg3059 is not tolerated. This variant is reported in 0.0054% of alleles in individuals of East Asian descent in gnomAD. Although we suspect that this variant may be pathogenic, at this time, the clinical significance of this variant is uncertain due to the absence of conclusive functional and genetic evidence.

Clinical Genetics, Academic Medical Center
Classification: Uncertain significance. Review status: no assertion criteria provided. Collection method: clinical testing. Allele origin: germline. Affected: yes. Study: VKGL Data-share Consensus. Not counted in ClinVar's aggregate classification.

Diagnostic Laboratory, Department of Genetics, University Medical Center Groningen
Classification: Uncertain significance. Review status: no assertion criteria provided. Collection method: clinical testing. Allele origin: germline. Affected: yes. Study: VKGL Data-share Consensus. Not counted in ClinVar's aggregate classification.

Literature cited by the submitters: PubMed 34456049 (cited by 4 submitters); PubMed 22408029 (cited by Labcorp Genetics (formerly Invitae), Labcorp and Dasa); PubMed 33269076 (cited by Quest Diagnostics Nichols Institute San Juan Capistrano).

NM_000384.3(APOB):c.9176G>A (p.Arg3059His)

Gene: APOB (apolipoprotein B; minus strand). Cytogenetic location: 2p24.1.
Variant type: single nucleotide variant.
Coding change: c.9176G>A on transcript NM_000384.3 (MANE Select); coding-DNA position 9176, G replaced by A.
Protein change: p.Arg3059His; replaces arginine 3059 with histidine.
Molecular consequence: missense variant.
Genome position (GRCh38, 1-based): chr2:21,007,692, C>T on the plus strand (G>A on the coding strand, the complement: APOB is on the minus strand). VCF-style: chr2-21007692-C-T. GRCh37 (hg19) VCF-style: chr2-21230564-C-T.
Other names: short protein forms R3059H.
Identifiers: ClinVar variation 490404 (VCV000490404.32), dbSNP rs781645624, ClinGen allele CA066340.
Genomic context (GRCh38, chr2:21,007,692, plus strand): 5'-CTCAGAAACAGTGCATAGTTATTCAGGAAGTCTATCTTCCCTGTTAACCTTAATGGAAAA[C>T]GAACTTTCAAATTCCCTTCATTGTTTGTGGATGCCGTGATCTCAAATGGCTGGGCTGAAA-3'
Protein context (NP_000375.3, residues 3049-3069): STNNEGNLKV[Arg3059His]FPLRLTGKID